The following is an entry in ClinVar:

NM_000038.6(APC):c.2700_2701del (p.Gln901fs)

Gene: APC (APC regulator of Wnt signaling pathway; plus strand). Cytogenetic location: 5q22.2.
Variant type: Microsatellite.
Coding change: c.2700_2701del on transcript NM_000038.6 (MANE Select); coding-DNA positions 2700 to 2701, 2 bases deleted (TC; older notation c.2700_2701delTC).
Protein change: p.Gln901fs; shifts the reading frame from glutamine 901.
Molecular consequence: frameshift variant. On other transcripts: non-coding transcript variant (2).
Genome position (GRCh38, 1-based): chr5:112,838,294-112,838,295, TC deleted; deleting any 2 consecutive bases within chr5:112,838,291-112,838,295 gives the same sequence; the c. name uses the placement nearest the transcript's 3' end. VCF-style (leftmost placement, unchanged base first): chr5-112838290-CCT-C. GRCh37 (hg19) VCF-style: chr5-112173987-CCT-C.
Other names: c.2700_2701del, p.Gln901fs (NM_001127510.3, NM_001354895.2, NM_001407450.1); c.2646_2647del, p.Gln883fs (NM_001127511.3); c.2754_2755del, p.Gln919fs (NM_001354896.2, NM_001407447.1, NM_001407448.1 and 1 more transcripts); c.2730_2731del, p.Gln911fs (NM_001354897.2); c.2625_2626del, p.Gln876fs (NM_001354898.2); c.2616_2617del, p.Gln873fs (NM_001354899.2); c.2577_2578del, p.Gln860fs (NM_001354900.2); c.2523_2524del, p.Gln842fs (NM_001354901.2, NM_001407453.1); and 11 more; short protein forms Q929fs, Q517fs, Q618fs, Q741fs, Q772fs, Q775fs, Q800fs, Q810fs.
Identifiers: ClinVar variation 2584146 (VCV002584146.4), dbSNP rs2533442999, ClinGen allele CA658760810.
Genomic context (GRCh38, chr5:112,838,290, plus strand): 5'-AGATCTCCACCACTGCAGCCCAGATTGCCAAAGTCATGGAAGAAGTGTCAGCCATTCATA[CCT>C]CTCAGGAAGACAGAAGTTCTGGGTCTACCACTGAATTACATTGTGTGACAGATGAGAGAA-3'

ClinVar aggregate classification (germline): Pathogenic. Review status: criteria provided, multiple submitters, no conflicts (2 of 4 stars). 2 submissions from 2 submitters: Pathogenic (2). Last evaluated 2023-05-05.

Conditions:
Familial adenomatous polyposis 1 (FAP1). Also called: FAMILIAL ADENOMATOUS POLYPOSIS 1, ATTENUATED; POLYPOSIS, ADENOMATOUS INTESTINAL. Identifiers: MedGen C2713442, MONDO:0021056, OMIM 175100. Disease mechanism: loss of function.

Submissions (2):

Myriad Genetics, Inc.
Classification: Pathogenic for Familial adenomatous polyposis 1. Last evaluated: 2023-05-05. Review status: criteria provided, single submitter. Criteria: Myriad Autosomal Dominant, Autosomal Recessive and X-Linked Classification Criteria (2023). Collection method: clinical testing. Allele origin: unknown.
Comment: This variant is considered pathogenic. This variant creates a frameshift predicted to result in premature protein truncation.

National Molecular Genetics Centre of Cancer Research, N.N. Alexandrov National Cancer Centre of Belarus
Classification: Pathogenic for Familial adenomatous polyposis 1. Review status: criteria provided, single submitter. Criteria: ACMG Guidelines, 2015. Collection method: clinical testing. Allele origin: germline. Inheritance: Autosomal dominant inheritance. Affected: yes.
Comment: This variant was classified as: Pathogenic. The following ACMG 2015 criteria were applied: PVS1 (frameshift), PM2 (absent in Gnomad), PP4 (phenotype).